The following is an entry in ClinVar:

ClinVar aggregate classification (germline): Likely pathogenic (0 of 4 stars; one submission).

Conditions:
Platelet-type bleeding disorder 17 (BDPLT17). Also called: Thrombasthenia-thrombocytopenia, hereditary. Identifiers: Orphanet 721, MedGen C1861194, MONDO:0008553, OMIM 187900.

gnomAD v4.1: 5 of 1,613,898 alleles (0.00031%); highest among the groups gnomAD compares: African/African-American, 0.0027%; no homozygotes.

Submission:

ISTH-SSC Genomics in Thrombosis and Hemostasis, KU Leuven, Center for Molecular and Vascular Biology
Classification: Likely pathogenic for Platelet-type bleeding disorder 17. Review status: no assertion criteria provided. Collection method: research. Allele origin: unknown. Affected: yes.
Comment: Submitted to GoldVariant by Neil Morgan from Birmingham Platelet Group, Birmingham, UK

NM_001377304.1(GFI1B):c.551G>C (p.Arg184Pro)

Gene: GFI1B (growth factor independent 1B transcriptional repressor; plus strand). Cytogenetic location: 9q34.13.
Variant type: single nucleotide variant.
Coding change: c.551G>C on transcript NM_001377304.1 (MANE Select); coding-DNA position 551, G replaced by C.
Protein change: p.Arg184Pro; replaces arginine 184 with proline.
Molecular consequence: missense variant. On other transcripts: intron variant (2).
Genome position (GRCh38, 1-based): chr9:132,989,101, G>C. VCF-style: chr9-132989101-G-C. GRCh37 (hg19) VCF-style: chr9-135864488-G-C.
Other names: c.551G>C, p.Arg184Pro (NM_001371908.1, NM_004188.8); c.510+633G>C (NM_001135031.2, NM_001377305.1); short protein forms R184P.
Identifiers: ClinVar variation 1684454 (VCV001684454.1), dbSNP rs570058270, ClinGen allele CA375379527.